The following is an entry in ClinVar:

ClinVar aggregate classification (germline): Uncertain significance. Review status: criteria provided, multiple submitters, no conflicts (2 of 4 stars). 2 submissions from 2 submitters: Uncertain significance (2). Last evaluated 2025-09-10.

Conditions:
RASopathy. Also called: rasopathies; Noonan spectrum disorder. Identifiers: Orphanet 536391, MedGen C5555857, MONDO:0021060.

Submissions (2):

Labcorp Genetics (formerly Invitae), Labcorp
Classification: Uncertain significance for RASopathy. Last evaluated: 2025-09-10. Review status: criteria provided, single submitter. Criteria: Invitae Variant Classification Sherloc (09022015). Collection method: clinical testing. Allele origin: germline.
Comment: This sequence change replaces aspartic acid, which is acidic and polar, with tyrosine, which is neutral and polar, at codon 366 of the SOS1 protein (p.Asp366Tyr). This variant is not present in population databases (gnomAD no frequency). This variant has not been reported in the literature in individuals affected with SOS1-related conditions. ClinVar contains an entry for this variant (Variation ID: 1203209). Invitae Evidence Modeling of protein sequence and biophysical properties (such as structural, functional, and spatial information, amino acid conservation, physicochemical variation, residue mobility, and thermodynamic stability) indicates that this missense variant is expected to disrupt SOS1 protein function with a positive predictive value of 80%. In summary, the available evidence is currently insufficient to determine the role of this variant in disease. Therefore, it has been classified as a Variant of Uncertain Significance.

GeneDx
Classification: Uncertain significance. Last evaluated: 2020-04-14. Review status: criteria provided, single submitter. Criteria: GeneDx Variant Classification Process June 2021. Collection method: clinical testing. Allele origin: germline. Affected: yes.
Comment: Not observed in large population cohorts (Lek et al., 2016); Missense variants in this gene are often considered pathogenic (Stenson et al., 2014); In silico analysis supports that this missense variant has a deleterious effect on protein structure/function; Has not been previously published as pathogenic or benign to our knowledge

NM_005633.4(SOS1):c.1096G>T (p.Asp366Tyr)

Gene: SOS1 (SOS Ras/Rac guanine nucleotide exchange factor 1; minus strand). Cytogenetic location: 2p22.1.
Variant type: single nucleotide variant.
Coding change: c.1096G>T on transcript NM_005633.4 (MANE Select); coding-DNA position 1096, G replaced by T.
Protein change: p.Asp366Tyr; replaces aspartic acid 366 with tyrosine.
Molecular consequence: missense variant.
Genome position (GRCh38, 1-based): chr2:39,024,116, C>A on the plus strand (G>T on the coding strand, the complement: SOS1 is on the minus strand). VCF-style: chr2-39024116-C-A. GRCh37 (hg19) VCF-style: chr2-39251257-C-A.
Other names: c.1075G>T, p.Asp359Tyr (NM_001382394.1); c.1096G>T, p.Asp366Tyr (NM_001382395.1); short protein forms D359Y, D366Y.
Identifiers: ClinVar variation 1203209 (VCV001203209.4), dbSNP rs1669882172, ClinGen allele CA346366984.